The following is an entry in ClinVar:

NM_001276270.2(MBD4):c.74_77dup (p.Val27fs)

Gene: MBD4 (methyl-CpG binding domain 4, DNA glycosylase; minus strand). Cytogenetic location: 3q21.3.
Variant type: Duplication.
Coding change: c.74_77dup on transcript NM_001276270.2 (MANE Select); coding-DNA positions 74 to 77, 4 bases duplicated (GCCT; older notation c.74_77dupGCCT).
Protein change: p.Val27fs; shifts the reading frame from valine 27.
Molecular consequence: frameshift variant.
Genome position (GRCh38, 1-based): chr3:129,439,757-129,439,760, AGGC duplicated on the plus strand (GCCT on the coding strand, the reverse complement: MBD4 is on the minus strand). VCF-style (leftmost placement, unchanged base first): chr3-129439756-T-TAGGC. GRCh37 (hg19) VCF-style: chr3-129158599-T-TAGGC.
Other names: c.74_77dup, p.Val27fs (NM_001276271.2, NM_001276272.2, NM_001276273.2 and 1 more transcripts); short protein forms V27fs.
Identifiers: ClinVar variation 4805885 (VCV004805885.1).

ClinVar aggregate classification (germline): Pathogenic (1 of 4 stars; one submission).

Submission:

Labcorp Genetics (formerly Invitae), Labcorp
Classification: Pathogenic. Last evaluated: 2025-04-09. Review status: criteria provided, single submitter. Criteria: Invitae Variant Classification Sherloc (09022015). Collection method: clinical testing. Allele origin: germline.
Comment: This sequence change creates a premature translational stop signal (p.Val27Profs*8) in the MBD4 gene. It is expected to result in an absent or disrupted protein product. Loss-of-function variants in MBD4 are known to be pathogenic (PMID: 30049810, 35460607). This variant is not present in population databases (gnomAD no frequency). This variant has not been reported in the literature in individuals affected with MBD4-related conditions. For these reasons, this variant has been classified as Pathogenic.

Literature cited by the submitters: PubMed 30049810; PubMed 35460607.